The following is an entry in ClinVar:

NM_001365951.3(KIF1B):c.5294C>T (p.Pro1765Leu)

Gene: KIF1B (kinesin family member 1B; plus strand). Cytogenetic location: 1p36.22.
Variant type: single nucleotide variant.
Coding change: c.5294C>T on transcript NM_001365951.3 (MANE Select); coding-DNA position 5294, C replaced by T.
Protein change: p.Pro1765Leu; replaces proline 1765 with leucine.
Molecular consequence: missense variant.
Genome position (GRCh38, 1-based): chr1:10,375,259, C>T. VCF-style: chr1-10375259-C-T. GRCh37 (hg19) VCF-style: chr1-10435317-C-T.
Other names: c.5294C>T, p.Pro1765Leu (NM_001365952.1); c.5156C>T, p.Pro1719Leu (NM_015074.3); short protein forms P1765L, P1719L.
Identifiers: ClinVar variation 966307 (VCV000966307.9), dbSNP rs1638850153, ClinGen allele CA338331598.

ClinVar aggregate classification (germline): Uncertain significance (1 of 4 stars; one submission).

Conditions:
Charcot-Marie-Tooth disease type 2. Also called: Charcot-Marie-Tooth type 2. Identifiers: Orphanet 64746, MedGen C0270914, MONDO:0018993.

Allele frequency attached by ClinVar (database versions not stated): gnomAD exomes below 0.00001.
gnomAD v4.1: 1 of 1,613,462 alleles (0.000062%); highest among the groups gnomAD compares: South Asian, 0.0011%; no homozygotes.

Submission:

Labcorp Genetics (formerly Invitae), Labcorp
Classification: Uncertain significance for Charcot-Marie-Tooth disease type 2. Last evaluated: 2019-09-28. Review status: criteria provided, single submitter. Criteria: Invitae Variant Classification Sherloc (09022015). Collection method: clinical testing. Allele origin: germline.
Comment: In summary, the available evidence is currently insufficient to determine the role of this variant in disease. Therefore, it has been classified as a Variant of Uncertain Significance. Algorithms developed to predict the effect of missense changes on protein structure and function output the following: SIFT: "Deleterious"; PolyPhen-2: "Benign"; Align-GVGD: "Class C0". The leucine amino acid residue is found in multiple mammalian species, suggesting that this missense change does not adversely affect protein function. These predictions have not been confirmed by published functional studies and their clinical significance is uncertain. This variant has not been reported in the literature in individuals with KIF1B-related conditions. This variant is not present in population databases (ExAC no frequency). This sequence change replaces proline with leucine at codon 1719 of the KIF1B protein (p.Pro1719Leu). The proline residue is moderately conserved and there is a moderate physicochemical difference between proline and leucine.